The following is an entry in ClinVar:

NM_000081.4(LYST):c.7781-715G>A

Gene: LYST (lysosomal trafficking regulator; minus strand). Cytogenetic location: 1q42.3.
Variant type: single nucleotide variant.
Coding change: c.7781-715G>A on transcript NM_000081.4 (MANE Select); 715 bases into the intron before coding-DNA position 7781, G replaced by A.
Molecular consequence: intron variant.
Genome position (GRCh38, 1-based): chr1:235,747,242, C>T on the plus strand (G>A on the coding strand, the complement: LYST is on the minus strand). VCF-style: chr1-235747242-C-T. GRCh37 (hg19) VCF-style: chr1-235910542-C-T.
Other names: c.7781-715G>A (NM_001301365.1).
Identifiers: ClinVar variation 2628177 (VCV002628177.2), dbSNP rs3754234, ClinGen allele CA1466039.

ClinVar aggregate classification (germline): Benign (1 of 4 stars; one submission).

Allele frequency attached by ClinVar (database versions not stated): ExAC 0.28933; 1000 Genomes Project 0.41194; 1000 Genomes Project 30x 0.42911; gnomAD 0.50013; TOPMed 0.50866.
gnomAD v4.1: 180,839 of 450,172 alleles (40%); highest among the groups gnomAD compares: African/African-American, 82%; 43,470 homozygotes.

Submission:

Unidad de Genómica Garrahan, Hospital de Pediatría Garrahan
Classification: Benign. Last evaluated: 2023-11-12. Review status: criteria provided, single submitter. Criteria: ACMG Guidelines, 2015. Collection method: clinical testing. Allele origin: germline. Affected: no. Observed: 48 variant alleles.
Comment: This variant is classified as Benign based on local population frequency. This variant was detected in 50% of patients studied by a panel of primary immunodeficiencies. Number of patients: 48. Only high quality variants are reported.